The following is an entry in ClinVar:

ClinVar aggregate classification (germline): Conflicting classifications of pathogenicity. Review status: criteria provided, conflicting classifications (1 of 4 stars). 20 submissions from 15 submitters: Uncertain significance (10); Benign (2); Likely benign (7). 1 of the submissions does not count toward it. Last evaluated 2026-02-09.

Conditions:
TTN-related disorder. Also called: TTN-related disorders; TTN-related condition; TTN-related disease.
Cardiovascular phenotype. Identifiers: MedGen CN230736.
Dilated cardiomyopathy 1G (CMD1G). Identifiers: Orphanet 154, MedGen C1858763, MONDO:0011400, OMIM 604145.
Autosomal recessive limb-girdle muscular dystrophy type 2J (LGMDR10). Also called: Limb-girdle muscular dystrophy, type 2J; MUSCULAR DYSTROPHY, LIMB-GIRDLE, AUTOSOMAL RECESSIVE 10. Identifiers: Orphanet 140922, MedGen C1837342, MONDO:0012127, OMIM 608807.
Tibial muscular dystrophy (TMD). Also called: UDD MYOPATHY; Tibial muscular dystrophy, tardive; Udd Distal Myopathy – Tibial Muscular Dystrophy. Identifiers: Orphanet 609, MedGen C1838244, MONDO:0010870, OMIM 600334.
Early-onset myopathy with fatal cardiomyopathy (CMYO5). Also called: Salih Myopathy; CONGENITAL MYOPATHY 5 WITH CARDIOMYOPATHY. Identifiers: Orphanet 289377, MedGen C2673677, MONDO:0012714, OMIM 611705. Disease mechanism: loss of function.
Myopathy, myofibrillar, 9, with early respiratory failure (MFM9). Also called: Hereditary myopathy with early respiratory failure; MYOPATHY, PROXIMAL, WITH EARLY RESPIRATORY MUSCLE INVOLVEMENT; Myopathy, distal, with early respiratory failure, autosomal dominant; EDSTROM MYOPATHY. Identifiers: Orphanet 178464, Orphanet 34521, MedGen C1863599, MONDO:0011362, OMIM 603689.
Hypertrophic cardiomyopathy 9. Also called: Familial hypertrophic cardiomyopathy 9. Identifiers: MedGen C1861065, MONDO:0013412, OMIM 613765.
Cardiomyopathy (CMYO). Also called: Cardiomyopathies. Identifiers: Orphanet 167848, MedGen C0878544, MONDO:0004994, HP:0001638. Inheritance: Various modes of inheritance.
Primary dilated cardiomyopathy (DCM). Also called: Dilated Cardiomyopathy. Identifiers: Orphanet 217604, MedGen C0007193, MeSH D002311, MONDO:0005021, HP:0001644. Inheritance: Various modes of inheritance.

Allele frequency attached by ClinVar (database versions not stated): ESP Exome Variant Server 0.00034; 1000 Genomes Project 0.00060; 1000 Genomes Project 30x 0.00062; gnomAD 0.00058 and 0.00059; TOPMed 0.00035.
gnomAD v4.1: 680 of 1,589,884 alleles (0.043%); highest among the groups gnomAD compares: Admixed American, 0.12%; no homozygotes.

Submissions 1 to 10 of 23:

Women's Health and Genetics/Laboratory Corporation of America, LabCorp
Classification: Likely benign. Last evaluated: 2026-02-09. Review status: criteria provided, single submitter. Criteria: LabCorp Variant Classification Summary - May 2015. Collection method: clinical testing. Allele origin: germline.
Comment: Variant summary: TTN c.61120G>A (p.Glu20374Lys) results in a conservative amino acid change in the encoded protein sequence near a canonical splice site.. Algorithms developed to predict the effect of missense changes on protein structure and function are either unavailable or do not agree on the potential impact of this missense change. Several computational tools predict a significant impact on normal splicing: Two predict the variant abolishes a canonical 5' splicing donor site and two predict the variant weakens the 5' donor site. However, these predictions have yet to be confirmed by functional studies. The variant allele was found at a frequency of 0.00043 in 1597090 control chromosomes (gnomAD, Roberts_2015), predominantly at a frequency of 0.0012 within the Latino subpopulation in the gnomAD database. The observed variant frequency within Latino control individuals in the gnomAD database exceeds the estimated maximal expected allele frequency for disease-causing variants in TTN. c.61120G>A has been observed in at least one stillborn infant suspected of cardiac arrest (Sahlin_2019) and in individual(s) affected with autosomal recessive Titinopathy (internal data). These data do not allow any conclusion about variant significance. To our knowledge, no experimental evidence demonstrating an impact on protein function has been reported. The following publications have been ascertained in the context of this evaluation (PMID: 25589632, 30615648). ClinVar contains an entry for this variant (Variation ID: 96298). Based on the evidence outlined above, the variant was classified as likely benign.

PreventionGenetics, part of Exact Sciences
Classification: Likely benign for TTN-related condition. Last evaluated: 2025-10-16. Review status: criteria provided, single submitter. Criteria: ACMG Guidelines, 2015. Collection method: clinical testing. Allele origin: germline.
Comment: This variant is classified as likely benign based on ACMG/AMP sequence variant interpretation guidelines (Richards et al. 2015 PMID: 25741868, with internal and published modifications).

Labcorp Genetics (formerly Invitae), Labcorp
Classification: Uncertain significance for Dilated cardiomyopathy 1G; Autosomal recessive limb-girdle muscular dystrophy type 2J. Last evaluated: 2025-01-23. Review status: criteria provided, single submitter. Criteria: Invitae Variant Classification Sherloc (09022015). Collection method: clinical testing. Allele origin: germline.
Comment: This sequence change replaces glutamic acid, which is acidic and polar, with lysine, which is basic and polar, at codon 22942 of the TTN protein (p.Glu22942Lys). This variant also falls at the last nucleotide of exon 323, which is part of the consensus splice site for this exon. This variant is present in population databases (rs199506676, gnomAD 0.04%). This missense change has been observed in individual(s) with autosomal recessive TTN-related conditions (internal data). ClinVar contains an entry for this variant (Variation ID: 96298). Experimental studies and prediction algorithms are not available or were not evaluated, and the functional significance of this variant is currently unknown. Variants that disrupt the consensus splice site are a relatively common cause of aberrant splicing (PMID: 17576681, 9536098). This variant is located in the A band of TTN (PMID: 25589632). Variants in this region may be relevant for cardiac or neuromuscular disorders (PMID: 25589632, 23975875). In summary, the available evidence is currently insufficient to determine the role of this variant in disease. Therefore, it has been classified as a Variant of Uncertain Significance.

Blueprint Genetics
Classification: Likely benign. Last evaluated: 2024-09-20. Review status: criteria provided, single submitter. Criteria: ACMG Guidelines, 2015. Collection method: clinical testing. Allele origin: germline.

Revvity Omics, Revvity
Classification: Likely benign. Last evaluated: 2023-12-01. Review status: criteria provided, single submitter. Criteria: ACMG Guidelines, 2015. Collection method: clinical testing. Allele origin: germline.

CHEO Genetics Diagnostic Laboratory, Children's Hospital of Eastern Ontario
Classification: Likely benign for Cardiomyopathy. Last evaluated: 2023-05-16. Review status: criteria provided, single submitter. Criteria: ACMG Guidelines, 2015. Collection method: clinical testing. Allele origin: germline.

Ambry Genetics
Classification: Likely benign for Cardiovascular phenotype. Last evaluated: 2020-08-27. Review status: criteria provided, single submitter. Criteria: Ambry Autosomal Dominant and X-Linked criteria (7/2020). Collection method: clinical testing. Allele origin: germline. Observed: 1 variant allele.
Comment: In silico models in agreement (benign);Subpopulation frequency in support of benign classification

Victorian Clinical Genetics Services, Murdoch Childrens Research Institute
Classification: Likely benign for Dilated cardiomyopathy 1G. Last evaluated: 2020-05-26. Review status: criteria provided, single submitter. Criteria: ACMG Guidelines, 2015. Collection method: clinical testing. Allele origin: germline.
Comment: Based on the classification scheme VCGS_Germline_v1.1.1, this variant is classified as likely benign. Following criteria are met: 0102 - Loss-of-function is a known mechanism of disease for this gene. (N) 0108 - This gene is known to be associated with both recessive and dominant disease. (N) 0112 - Variants in this gene are known to have reduced penetrance (PMID: 25589632, PMID: 28045975). (N) 0200 - Variant is predicted to result in a missense amino acid change from a glutamic acid to a lysine (exon 151). This variant is located at the intron-exon boundary, and has a potential effect on splicing. (N) 0251 - Variant is heterozygous. (N) 0302 - Variant is present in gnomAD <0.001 for a dominant condition (79 heterozygotes, 0 homozygotes). (P) 0309 - An alternative change at the same nucleotide position has been observed in gnomAD (2 heterozygotes, 0 homozygotes). (N) 0502 - Missense variant with conflicting in silico predictions and/or uninformative conservation. (N) 0505 - Abnormal splicing is predicted by in silico tools and affected nucleotide is highly conserved. (P) 0600 - Variant is located in an annotated domain or motif, (PSI = 1, A band; PMID: 25589632) (N) 0705 - No comparable variants have previous evidence for pathogenicity. (N) 0804 - Variant has previously been described as variant of uncertain significance (ClinVar), and this variant has been reported in two patients with dilated cardiomyopathy (PMID: 25589632). (N) 0905 - No segregation evidence has been identified for this variant. (N) 1007 - No published functional evidence has been identified for this variant. (N) 1208 - Inheritance information for this variant is not currently available. (N) Legend: (P) - Pathogenic, (N) - Neutral, (B) - Benign

Baylor Genetics
Classification: Uncertain significance for Dilated cardiomyopathy 1G. Last evaluated: 2020-01-31. Review status: criteria provided, single submitter. Criteria: ACMG Guidelines, 2015. Collection method: clinical testing. Allele origin: unknown. Affected: yes.
Comment: This variant was determined to be of uncertain significance according to ACMG Guidelines, 2015 [PMID:25741868].

Athena Diagnostics
Classification: Uncertain significance. Last evaluated: 2019-12-17. Review status: criteria provided, single submitter. Criteria: Athena Diagnostics Criteria. Collection method: clinical testing. Allele origin: unknown.

NM_001267550.2(TTN):c.68824G>A (p.Glu22942Lys)

Genes: TTN (titin; minus strand), TTN-AS1 (TTN antisense RNA 1; plus strand). Cytogenetic location: 2q31.2.
Variant type: single nucleotide variant.
Coding change: c.68824G>A on transcript NM_001267550.2 (MANE Select); coding-DNA position 68824, G replaced by A.
Protein change: p.Glu22942Lys; replaces glutamic acid 22942 with lysine.
Molecular consequence: missense variant.
Genome position (GRCh38, 1-based): chr2:178,577,602, C>T on the plus strand (G>A on the coding strand, the complement: TTN is on the minus strand). VCF-style: chr2-178577602-C-T. GRCh37 (hg19) VCF-style: chr2-179442329-C-T.
Other names: c.42004G>A, p.Glu14002Lys (NM_133432.3); c.42205G>A, p.Glu14069Lys (NM_133437.4); c.63901G>A, p.Glu21301Lys (NM_001256850.1); c.41629G>A, p.Glu13877Lys (NM_003319.4); c.61120G>A, p.Glu20374Lys (NM_133378.4); c.68824G>A (LRG_391t1); short protein forms E20374K, E22942K, E21301K, E13877K, E14069K, E14002K.
Identifiers: ClinVar variation 96298 (VCV000096298.40), dbSNP rs199506676, ClinGen allele CA223957.